The following is an entry in ClinVar:

ClinVar aggregate classification (germline): Uncertain significance (1 of 4 stars; one submission).

Submission:

GeneDx
Classification: Uncertain significance. Last evaluated: 2025-05-19. Review status: criteria provided, single submitter. Criteria: GeneDx Variant Classification Process June 2021. Collection method: clinical testing. Allele origin: germline. Affected: yes.
Comment: Has not been previously published as pathogenic or benign to our knowledge; In silico analysis supports that this missense variant has a deleterious effect on protein structure/function; Not observed at significant frequency in large population cohorts (gnomAD)

NM_001110556.2(FLNA):c.2588G>T (p.Arg863Leu)

Gene: FLNA (filamin A; minus strand). Cytogenetic location: Xq28.
Variant type: single nucleotide variant.
Coding change: c.2588G>T on transcript NM_001110556.2 (MANE Select); coding-DNA position 2588, G replaced by T.
Protein change: p.Arg863Leu; replaces arginine 863 with leucine.
Molecular consequence: missense variant.
Genome position (GRCh38, 1-based): chrX:154,362,310, C>A on the plus strand (G>T on the coding strand, the complement: FLNA is on the minus strand). VCF-style: chrX-154362310-C-A. GRCh37 (hg19) VCF-style: chrX-153590678-C-A.
Other names: c.2588G>T, p.Arg863Leu (NM_001456.4); short protein forms R863L.
Identifiers: ClinVar variation 2443470 (VCV002443470.2), dbSNP rs2067718143, ClinGen allele CA415233591.